The following is an entry in ClinVar:

NM_016292.3(TRAP1):c.1636A>C (p.Lys546Gln)

Genes: DNASE1 (deoxyribonuclease 1; plus strand), TRAP1 (TNF receptor associated protein 1; minus strand). Cytogenetic location: 16p13.3.
Variant type: single nucleotide variant.
Coding change: c.1636A>C on transcript NM_016292.3 (MANE Select); coding-DNA position 1636, A replaced by C.
Protein change: p.Lys546Gln; replaces lysine 546 with glutamine.
Molecular consequence: missense variant. On other transcripts: 3 prime UTR variant (1).
Genome position (GRCh38, 1-based): chr16:3,663,496, T>G on the plus strand (A>C on the coding strand, the complement: TRAP1 is on the minus strand). VCF-style: chr16-3663496-T-G. GRCh37 (hg19) VCF-style: chr16-3713497-T-G.
Other names: c.1477A>C, p.Lys493Gln (NM_001272049.2); c.*872T>G (NM_001387140.1); short protein forms K493Q, K546Q.
Identifiers: ClinVar variation 2068257 (VCV002068257.3), dbSNP rs143144399, ClinGen allele CA7867990.

ClinVar aggregate classification (germline): Uncertain significance (1 of 4 stars; one submission).

Allele frequency attached by ClinVar (database versions not stated): gnomAD 0.00029; ESP Exome Variant Server 0.00015; TOPMed 0.00057; ExAC 0.00039; gnomAD exomes 0.00022; 1000 Genomes Project 30x 0.00031; 1000 Genomes Project 0.00040.
gnomAD v4.1: 376 of 1,613,982 alleles (0.023%); highest among the groups gnomAD compares: Middle Eastern, 0.15%; 2 homozygotes.

Submission:

Labcorp Genetics (formerly Invitae), Labcorp
Classification: Uncertain significance. Last evaluated: 2026-01-05. Review status: criteria provided, single submitter. Criteria: Invitae Variant Classification Sherloc (09022015). Collection method: clinical testing. Allele origin: germline.
Comment: This sequence change replaces lysine, which is basic and polar, with glutamine, which is neutral and polar, at codon 546 of the TRAP1 protein (p.Lys546Gln). This variant is present in population databases (rs143144399, gnomAD 0.1%), and has an allele count higher than expected for a pathogenic variant. This variant has not been reported in the literature in individuals affected with TRAP1-related conditions. ClinVar contains an entry for this variant (Variation ID: 2068257). Invitae Evidence Modeling of protein sequence and biophysical properties (such as structural, functional, and spatial information, amino acid conservation, physicochemical variation, residue mobility, and thermodynamic stability) indicates that this missense variant is not expected to disrupt TRAP1 protein function with a negative predictive value of 80%. In summary, the available evidence is currently insufficient to determine the role of this variant in disease. Therefore, it has been classified as a Variant of Uncertain Significance.